The following is an entry in ClinVar:

ClinVar aggregate classification (germline): Pathogenic (1 of 4 stars; one submission).

Submission:

GeneDx
Classification: Pathogenic. Last evaluated: 2024-11-10. Review status: criteria provided, single submitter. Criteria: GeneDx Variant Classification Process June 2021. Collection method: clinical testing. Allele origin: germline. Affected: yes.
Comment: Nonsense variant predicted to result in protein truncation or nonsense mediated decay in a gene for which loss of function is a known mechanism of disease; Not observed at significant frequency in large population cohorts (gnomAD); Has not been previously published as pathogenic or benign to our knowledge

NM_015057.5(MYCBP2):c.13528G>T (p.Glu4510Ter)

Gene: MYCBP2 (MYC binding protein 2; minus strand). Cytogenetic location: 13q22.3.
Variant type: single nucleotide variant.
Coding change: c.13528G>T on transcript NM_015057.5 (MANE Select); coding-DNA position 13528, G replaced by T.
Protein change: p.Glu4510Ter; replaces glutamic acid 4510 with a stop codon.
Molecular consequence: nonsense.
Genome position (GRCh38, 1-based): chr13:77,055,677, C>A on the plus strand (G>T on the coding strand, the complement: MYCBP2 is on the minus strand). VCF-style: chr13-77055677-C-A. GRCh37 (hg19) VCF-style: chr13-77629812-C-A.
Other names: short protein forms E4510*.
Identifiers: ClinVar variation 3899545 (VCV003899545.1).